The following is an entry in ClinVar:

NM_001365536.1(SCN9A):c.49A>G (p.Lys17Glu)

Gene: SCN9A (sodium voltage-gated channel alpha subunit 9; minus strand). Cytogenetic location: 2q24.3.
Variant type: single nucleotide variant.
Coding change: c.49A>G on transcript NM_001365536.1 (MANE Select); coding-DNA position 49, A replaced by G.
Protein change: p.Lys17Glu; replaces lysine 17 with glutamic acid.
Molecular consequence: missense variant.
Genome position (GRCh38, 1-based): chr2:166,311,708, T>C on the plus strand (A>G on the coding strand, the complement: SCN9A is on the minus strand). VCF-style: chr2-166311708-T-C. GRCh37 (hg19) VCF-style: chr2-167168218-T-C.
Other names: c.49A>G, p.Lys17Glu (NM_002977.4); short protein forms K17E.
Identifiers: ClinVar variation 848303 (VCV000848303.12), dbSNP rs181981693, ClinGen allele CA1944899.

ClinVar aggregate classification (germline): Uncertain significance. Review status: criteria provided, multiple submitters, no conflicts (2 of 4 stars). 4 submissions from 4 submitters: Uncertain significance (4). Last evaluated 2026-01-06.

Conditions:
Inborn genetic diseases. Identifiers: MedGen C0950123, MeSH D030342.
Neuropathy, hereditary sensory and autonomic, type 2A (HSAN2A). Also called: ACROOSTEOLYSIS, GIACCAI TYPE; ACROOSTEOLYSIS, NEUROGENIC; HSAN IIA; NEUROPATHY, HEREDITARY SENSORY, TYPE IIA; NEUROPATHY, PROGRESSIVE SENSORY, OF CHILDREN; WNK1-Related HSAN2 (HSAN2A). Identifiers: Orphanet 970, MedGen C2752089, MONDO:0024309, OMIM 201300.
Generalized epilepsy with febrile seizures plus, type 7 (GEFSP7). Also called: GEFS+, TYPE 7. Identifiers: Orphanet 36387, MedGen C2751778, MONDO:0013470, OMIM 613863.

Allele frequency attached by ClinVar (database versions not stated): gnomAD exomes 0.00003 and 0.00007; ExAC 0.00004; gnomAD 0.00012; TOPMed 0.00012; 1000 Genomes Project 30x 0.00016; 1000 Genomes Project 0.00020.
gnomAD v4.1: 38 of 1,612,158 alleles (0.0024%); highest among the groups gnomAD compares: Admixed American, 0.06%; no homozygotes.

Submissions (4):

Labcorp Genetics (formerly Invitae), Labcorp
Classification: Uncertain significance for Neuropathy, hereditary sensory and autonomic, type 2A; Generalized epilepsy with febrile seizures plus, type 7. Last evaluated: 2026-01-06. Review status: criteria provided, single submitter. Criteria: Invitae Variant Classification Sherloc (09022015). Collection method: clinical testing. Allele origin: germline.
Comment: This sequence change replaces lysine, which is basic and polar, with glutamic acid, which is acidic and polar, at codon 17 of the SCN9A protein (p.Lys17Glu). This variant is present in population databases (rs181981693, gnomAD 0.05%). This variant has not been reported in the literature in individuals affected with SCN9A-related conditions. ClinVar contains an entry for this variant (Variation ID: 848303). An algorithm developed to predict the effect of missense changes on protein structure and function outputs the following: PolyPhen-2: "Benign". The glutamic acid amino acid residue is found in multiple mammalian species, which suggests that this missense change does not adversely affect protein function. In summary, the available evidence is currently insufficient to determine the role of this variant in disease. Therefore, it has been classified as a Variant of Uncertain Significance.

Athena Diagnostics
Classification: Uncertain significance. Last evaluated: 2024-11-27. Review status: criteria provided, single submitter. Criteria: Athena Diagnostics Criteria. Collection method: clinical testing. Allele origin: unknown.
Comment: Available data are insufficient to determine the clinical significance of the variant at this time. The frequency of this variant in the general population is uninformative in assessment of its pathogenicity. Polyphen and MutationTaster predict this amino acid change may be benign.

Ambry Genetics
Classification: Uncertain significance for Inborn genetic diseases. Last evaluated: 2021-01-15. Review status: criteria provided, single submitter. Criteria: Ambry Variant Classification Scheme 2023. Collection method: clinical testing. Allele origin: germline.
Comment: The p.K17E variant (also known as c.49A>G), located in coding exon 1 of the SCN9A gene, results from an A to G substitution at nucleotide position 49. The lysine at codon 17 is replaced by glutamic acid, an amino acid with similar properties. This amino acid position is not well conserved in available vertebrate species, and glutamic acid is the reference amino acid in other vertebrate species. In addition, this alteration is predicted to be tolerated by in silico analysis. Based on the supporting evidence, this variant is unlikely to be causative of autosomal dominant primary erythermalgia/small fiber neuropathy or paroxysmal extreme pain disorder; however, its contribution to the development of autosomal recessive congenital insensitivity to pain or hereditary sensory autonomic neuropathy type II is uncertain.

Baylor Genetics
Classification: Uncertain significance for Generalized epilepsy with febrile seizures plus, type 7. Last evaluated: 2019-11-25. Review status: criteria provided, single submitter. Criteria: ACMG Guidelines, 2015. Collection method: clinical testing. Allele origin: unknown. Affected: yes.
Comment: This variant was determined to be of uncertain significance according to ACMG Guidelines, 2015 [PMID:25741868].